The following is an entry in ClinVar:

ClinVar aggregate classification (germline): Pathogenic (1 of 4 stars; one submission).

Conditions:
Familial focal epilepsy with variable foci (FPEVF). Identifiers: Orphanet 98820, MedGen C1858477, MONDO:0020310.

Submission:

Labcorp Genetics (formerly Invitae), Labcorp
Classification: Pathogenic for Familial focal epilepsy with variable foci. Last evaluated: 2020-10-05. Review status: criteria provided, single submitter. Criteria: Invitae Variant Classification Sherloc (09022015). Collection method: clinical testing. Allele origin: germline.
Comment: This sequence change creates a premature translational stop signal (p.Gln631*) in the DEPDC5 gene. It is expected to result in an absent or disrupted protein product. This variant is not present in population databases (ExAC no frequency). This variant has not been reported in the literature in individuals with DEPDC5-related conditions. Loss-of-function variants in DEPDC5 are known to be pathogenic (PMID: 23542697, 23542701). For these reasons, this variant has been classified as Pathogenic.

Literature cited by the submitters: PubMed 23542697; PubMed 23542701.

NM_001242896.3(DEPDC5):c.1891C>T (p.Gln631Ter)

Gene: DEPDC5 (DEP domain containing 5, GATOR1 subcomplex subunit; plus strand). Cytogenetic location: 22q12.3.
Variant type: single nucleotide variant.
Coding change: c.1891C>T on transcript NM_001242896.3 (MANE Select); coding-DNA position 1891, C replaced by T.
Protein change: p.Gln631Ter; replaces glutamine 631 with a stop codon.
Molecular consequence: nonsense. On other transcripts: non-coding transcript variant (4), intron variant (3).
Genome position (GRCh38, 1-based): chr22:31,821,522, C>T. VCF-style: chr22-31821522-C-T. GRCh37 (hg19) VCF-style: chr22-32217508-C-T.
Other names: c.1891C>T, p.Gln631Ter (NM_001136029.4, NM_001363852.2, NM_001364318.2 and 3 more transcripts); c.1807C>T, p.Gln603Ter (NM_001369901.1, NM_001369902.1); c.1870+2297C>T (NM_001363854.2, NM_001242897.2, NM_001364319.2); short protein forms Q603*, Q631*.
Identifiers: ClinVar variation 1076727 (VCV001076727.7), dbSNP rs2148821385, ClinGen allele CA411281735.